The following is an entry in ClinVar:

ClinVar aggregate classification (germline): Uncertain significance. Review status: criteria provided, multiple submitters, no conflicts (2 of 4 stars). 3 submissions from 3 submitters: Uncertain significance (3). Last evaluated 2024-04-02.

Submissions (3):

Athena Diagnostics
Classification: Uncertain significance. Last evaluated: 2024-04-02. Review status: criteria provided, single submitter. Criteria: Athena Diagnostics Criteria. Collection method: clinical testing. Allele origin: unknown.
Comment: Available data are insufficient to determine the clinical significance of the variant at this time. This variant has not been reported in large, multi-ethnic general populations. Computational tools predict that this variant is damaging. The variant is located in a region that is considered important for protein function and/or structure.

Blueprint Genetics
Classification: Uncertain significance. Last evaluated: 2019-08-26. Review status: criteria provided, single submitter. Criteria: ACMG Guidelines, 2015. Collection method: clinical testing. Allele origin: germline.

Eurofins Ntd Llc (ga)
Classification: Uncertain significance. Last evaluated: 2016-08-30. Review status: criteria provided, single submitter. Criteria: EGL Classification Definitions 2015. Collection method: clinical testing. Allele origin: germline. Observed: 1 variant allele, 1 heterozygote.

NM_001127222.2(CACNA1A):c.592C>G (p.Arg198Gly)

Gene: CACNA1A (calcium voltage-gated channel subunit alpha1 A; minus strand). Cytogenetic location: 19p13.13.
Variant type: single nucleotide variant.
Coding change: c.592C>G on transcript NM_001127222.2 (MANE Select); coding-DNA position 592, C replaced by G.
Protein change: p.Arg198Gly; replaces arginine 198 with glycine.
Molecular consequence: missense variant.
Genome position (GRCh38, 1-based): chr19:13,371,727, G>C on the plus strand (C>G on the coding strand, the complement: CACNA1A is on the minus strand). VCF-style: chr19-13371727-G-C. GRCh37 (hg19) VCF-style: chr19-13482541-G-C.
Other names: c.592C>G, p.Arg198Gly (NM_000068.4, NM_001127221.2, NM_001174080.2 and 1 more transcripts); short protein forms R198G.
Identifiers: ClinVar variation 281747 (VCV000281747.8), dbSNP rs886042230, ClinGen allele CA10603964.
Genomic context (GRCh38, chr19:13,371,727, plus strand): 5'-CAGGGTCGGAAACTCACGCACTTGGGATTCCAGACACCAGCTTGAGCGGCCGCAGCACTC[G>C]AACTGCCCTCAGCGTCCGTAGGTCAAACTCCGTCCCAACTGTCGCCAAGATGCTGAAAGA-3'
Protein context (NP_001120694.1, residues 188-208): EFDLRTLRAV[Arg198Gly]VLRPLKLVSG